The following is an entry in ClinVar:

NM_000051.4(ATM):c.7511T>C (p.Met2504Thr)

Genes: ATM (ATM serine/threonine kinase; plus strand), C11orf65 (chromosome 11 open reading frame 65; minus strand). Cytogenetic location: 11q22.3.
Variant type: single nucleotide variant.
Coding change: c.7511T>C on transcript NM_000051.4 (MANE Select); coding-DNA position 7511, T replaced by C.
Protein change: p.Met2504Thr; replaces methionine 2504 with threonine.
Molecular consequence: missense variant. On other transcripts: intron variant (2).
Genome position (GRCh38, 1-based): chr11:108,330,417, T>C. VCF-style: chr11-108330417-T-C. GRCh37 (hg19) VCF-style: chr11-108201144-T-C.
Other names: c.7511T>C, p.Met2504Thr (NM_001351834.2); c.641-21346A>G (NM_001330368.2); c.*38+4803A>G (NM_001351110.2); short protein forms M2504T.
Identifiers: ClinVar variation 407635 (VCV000407635.20), dbSNP rs1060501644, ClinGen allele CA16613122.

ClinVar aggregate classification (germline): Uncertain significance. Review status: criteria provided, multiple submitters, no conflicts (2 of 4 stars). 5 submissions from 5 submitters: Uncertain significance (5). Last evaluated 2025-10-28.

Conditions:
Hereditary cancer-predisposing syndrome. Also called: Neoplastic Syndromes, Hereditary; Hereditary Cancer Syndrome; Tumor predisposition; Hereditary neoplastic syndrome. Identifiers: Orphanet 140162, MedGen C0027672, MeSH D009386, MONDO:0015356.
Ataxia-telangiectasia syndrome (AT). Also called: LOUIS-BAR SYNDROME; Cerebello-oculocutaneous telangiectasia; Immunodeficiency with ataxia telangiectasia; Ataxia-telangiectasia, complementation group D; AT, COMPLEMENTATION GROUP C; Ataxia-telangiectasia, complementation group E. Identifiers: Orphanet 100, MedGen C0004135, MONDO:0008840, OMIM 208900.

Allele frequency attached by ClinVar (database versions not stated): TOPMed below 0.00001; gnomAD exomes below 0.00001.
gnomAD v4.1: 1 of 1,614,138 alleles (0.000062%); highest among the groups gnomAD compares: African/African-American, 0.0013%; no homozygotes.

Submissions (5):

Women's Health and Genetics/Laboratory Corporation of America, LabCorp
Classification: Uncertain significance. Last evaluated: 2025-10-28. Review status: criteria provided, single submitter. Criteria: LabCorp Variant Classification Summary - May 2015. Collection method: clinical testing. Allele origin: germline.
Comment: Variant summary: ATM c.7511T>C (p.Met2504Thr) results in a non-conservative amino acid change in the encoded protein sequence. Algorithms developed to predict the effect of missense changes on protein structure and function all suggest that this variant is likely to be disruptive. The variant was absent in 250946 control chromosomes. The available data on variant occurrences in the general population are insufficient to allow any conclusion about variant significance. To our knowledge, no occurrence of c.7511T>C in individuals affected with ATM-related conditions and no experimental evidence demonstrating its impact on protein function have been reported. ClinVar contains an entry for this variant (Variation ID: 407635). Based on the evidence outlined above, the variant was classified as uncertain significance.

Labcorp Genetics (formerly Invitae), Labcorp
Classification: Uncertain significance for Ataxia-telangiectasia syndrome. Last evaluated: 2025-06-09. Review status: criteria provided, single submitter. Criteria: Invitae Variant Classification Sherloc (09022015). Collection method: clinical testing. Allele origin: germline.
Comment: This sequence change replaces methionine, which is neutral and non-polar, with threonine, which is neutral and polar, at codon 2504 of the ATM protein (p.Met2504Thr). This variant is not present in population databases (gnomAD no frequency). This variant has not been reported in the literature in individuals affected with ATM-related conditions. ClinVar contains an entry for this variant (Variation ID: 407635). Invitae Evidence Modeling of protein sequence and biophysical properties (such as structural, functional, and spatial information, amino acid conservation, physicochemical variation, residue mobility, and thermodynamic stability) has been performed for this missense variant. However, the output from this modeling did not meet the statistical confidence thresholds required to predict the impact of this variant on ATM protein function. In summary, the available evidence is currently insufficient to determine the role of this variant in disease. Therefore, it has been classified as a Variant of Uncertain Significance.

Ambry Genetics
Classification: Uncertain significance for Hereditary cancer-predisposing syndrome. Last evaluated: 2024-04-06. Review status: criteria provided, single submitter. Criteria: Ambry Variant Classification Scheme 2023. Collection method: clinical testing. Allele origin: germline.
Comment: The p.M2504T variant (also known as c.7511T>C), located in coding exon 49 of the ATM gene, results from a T to C substitution at nucleotide position 7511. The methionine at codon 2504 is replaced by threonine, an amino acid with similar properties. This amino acid position is highly conserved in available vertebrate species. In addition, this alteration is predicted to be deleterious by in silico analysis. Since supporting evidence is limited at this time, the clinical significance of this alteration remains unclear.

Color Diagnostics, LLC DBA Color Health
Classification: Uncertain significance for Hereditary cancer-predisposing syndrome. Last evaluated: 2023-12-05. Review status: criteria provided, single submitter. Criteria: ACMG Guidelines, 2015. Collection method: clinical testing. Allele origin: germline.
Comment: This missense variant replaces methionine with threonine at codon 2504 of the ATM protein. Computational prediction suggests that this variant may have deleterious impact on protein structure and function (internally defined REVEL score threshold >= 0.7, PMID: 27666373). To our knowledge, functional studies have not been reported for this variant. This variant has not been reported in individuals affected with ATM-related disorders in the literature. This variant has not been identified in the general population by the Genome Aggregation Database (gnomAD). The available evidence is insufficient to determine the role of this variant in disease conclusively. Therefore, this variant is classified as a Variant of Uncertain Significance.

GeneDx
Classification: Uncertain significance. Last evaluated: 2022-01-10. Review status: criteria provided, single submitter. Criteria: GeneDx Variant Classification Process June 2021. Collection method: clinical testing. Allele origin: germline. Affected: yes.
Comment: Not observed at significant frequency in large population cohorts (gnomAD); In silico analysis supports that this missense variant has a deleterious effect on protein structure/function; Has not been previously published as pathogenic or benign to our knowledge; This variant is associated with the following publications: (PMID: 23532176)